The following is an entry in ClinVar:

ClinVar aggregate classification (germline): Conflicting classifications of pathogenicity. Review status: criteria provided, conflicting classifications (1 of 4 stars). 2 submissions from 2 submitters: Uncertain significance (1); Likely benign (1). Last evaluated 2023-03-23.

Conditions:
Hereditary cancer-predisposing syndrome. Also called: Neoplastic Syndromes, Hereditary; Tumor predisposition; Hereditary Cancer Syndrome; Hereditary neoplastic syndrome. Identifiers: Orphanet 140162, MedGen C0027672, MeSH D009386, MONDO:0015356.

Submissions (2):

University of Washington Department of Laboratory Medicine, University of Washington
Classification: Likely benign for Hereditary cancer-predisposing syndrome. Last evaluated: 2023-03-23. Review status: criteria provided, single submitter. Criteria: Dines et al. (Genet Med. 2020). Collection method: curation. Allele origin: germline.
Comment: Missense variant in a coldspot region where missense variants are very unlikely to be pathogenic (PMID:31911673).

BRCA2 exon 10 coldspot. Reclassification based on statistical prior probability.

Ambry Genetics
Classification: Uncertain significance for Hereditary cancer-predisposing syndrome. Last evaluated: 2015-09-11. Review status: criteria provided, single submitter. Criteria: Ambry Variant Classification Scheme 2023. Collection method: clinical testing. Allele origin: germline.
Comment: The p.S356F variant (also known as c.1067C>T), located in coding exon 9 of the BRCA2 gene, results from a C to T substitution at nucleotide position 1067. The serine at codon 356 is replaced by phenylalanine, an amino acid with highly dissimilar properties. This variant was not reported in population based cohorts in the following databases: Database of Single Nucleotide Polymorphisms (dbSNP), NHLBI Exome Sequencing Project (ESP), and 1000 Genomes Project. In the ESP, this variant was not observed in 6494 samples (12988 alleles) with coverage at this position. To date, this alteration has been detected with an allele frequency of approximately 0.001% (greater than 150000 alleles tested) in our clinical cohort. This amino acid position is not well conserved in available vertebrate species. In addition, this alteration is predicted to be tolerated by in silico analysis. Since supporting evidence is limited at this time, the clinical significance of p.S356F remains unclear.

NM_000059.4(BRCA2):c.1067C>T (p.Ser356Phe)

Gene: BRCA2 (BRCA2 DNA repair associated; plus strand). Cytogenetic location: 13q13.1.
Variant type: single nucleotide variant.
Coding change: c.1067C>T on transcript NM_000059.4 (MANE Select); coding-DNA position 1067, C replaced by T.
Protein change: p.Ser356Phe; replaces serine 356 with phenylalanine.
Molecular consequence: missense variant.
Genome position (GRCh38, 1-based): chr13:32,332,545, C>T. VCF-style: chr13-32332545-C-T. GRCh37 (hg19) VCF-style: chr13-32906682-C-T.
Other names: short protein forms S356F.
Identifiers: ClinVar variation 234014 (VCV000234014.7), dbSNP rs876660796, ClinGen allele CA10579479.